The following is an entry in ClinVar:

NM_052947.4(ALPK2):c.3131C>T (p.Ser1044Phe)

Gene: ALPK2 (alpha kinase 2; minus strand). Cytogenetic location: 18q21.31.
Variant type: single nucleotide variant.
Coding change: c.3131C>T on transcript NM_052947.4 (MANE Select); coding-DNA position 3131, C replaced by T.
Protein change: p.Ser1044Phe; replaces serine 1044 with phenylalanine.
Molecular consequence: missense variant.
Genome position (GRCh38, 1-based): chr18:58,537,056, G>A on the plus strand (C>T on the coding strand, the complement: ALPK2 is on the minus strand). VCF-style: chr18-58537056-G-A. GRCh37 (hg19) VCF-style: chr18-56204288-G-A.
Other names: short protein forms S1044F.
Identifiers: ClinVar variation 2626706 (VCV002626706.2), dbSNP rs769096264, ClinGen allele CA402569041.

ClinVar aggregate classification (germline): Uncertain significance (1 of 4 stars; one submission).

gnomAD v4.1: 1 of 1,614,066 alleles (0.000062%); highest among the groups gnomAD compares: Non-Finnish European, 0.000085%; no homozygotes.

Submission:

Ambry Genetics
Classification: Uncertain significance. Last evaluated: 2023-06-30. Review status: criteria provided, single submitter. Criteria: Ambry Variant Classification Scheme 2023. Collection method: clinical testing. Allele origin: germline.
Comment: The p.S1044F variant (also known as c.3131C>T), located in coding exon 4 of the ALPK2 gene, results from a C to T substitution at nucleotide position 3131. The serine at codon 1044 is replaced by phenylalanine, an amino acid with highly dissimilar properties. This amino acid position is conserved. In addition, this alteration is predicted to be tolerated by in silico analysis. Since supporting evidence is limited at this time, the clinical significance of this alteration remains unclear.